The following is an entry in ClinVar:

NM_000492.4(CFTR):c.3064_3117del (p.Val1022_Gln1039del)

Genes: CFTR (CF transmembrane conductance regulator; plus strand), CFTR-AS2 (CFTR antisense RNA 2; minus strand), LOC111674472 (DNase I hypersensitive sites in introns 16 and 17a of CFTR; plus strand). Cytogenetic location: 7q31.2.
Variant type: Deletion.
Coding change: c.3064_3117del on transcript NM_000492.4 (MANE Select); coding-DNA positions 3064 to 3117, 54 bases deleted.
Protein change: p.Val1022_Gln1039del.
Molecular consequence: inframe deletion.
Genome position (GRCh38, 1-based): chr7:117,610,594-117,610,647, 54 bases deleted. GRCh37 (hg19): chr7:117,250,648-117,250,701.
Other names: c.3064_3117delGTGATAGTGGCTTTTATTATGTTGAGAGCATATTTCCTCCAAACCTCACAGCAA (NM_000492.3).
Identifiers: ClinVar variation 53645 (VCV000053645.6), dbSNP rs1554392027, ClinGen allele CA327035.

ClinVar aggregate classification (germline): Pathogenic/Likely pathogenic. Review status: criteria provided, multiple submitters, no conflicts (2 of 4 stars). 4 submissions from 4 submitters: Pathogenic (2); Likely pathogenic (1). 1 of the submissions does not count toward it. Last evaluated 2023-09-21.

Conditions:
Cystic fibrosis (CF). Also called: MUCOVISCIDOSIS. Identifiers: Orphanet 586, MedGen C0010674, MONDO:0009061, OMIM 219700. Disease mechanism: loss of function.

Submissions (4):

Labcorp Genetics (formerly Invitae), Labcorp
Classification: Pathogenic for Cystic fibrosis. Last evaluated: 2023-09-21. Review status: criteria provided, single submitter. Criteria: Invitae Variant Classification Sherloc (09022015). Collection method: clinical testing. Allele origin: germline.
Comment: This variant, c.3064_3117del, results in the deletion of 18 amino acid(s) of the CFTR protein (p.Val1022_Gln1039del), but otherwise preserves the integrity of the reading frame. This variant is not present in population databases (gnomAD no frequency). This variant has been observed in individual(s) with cystic fibrosis (PMID: 8880589). In at least one individual the data is consistent with being in trans (on the opposite chromosome) from a pathogenic variant. ClinVar contains an entry for this variant (Variation ID: 53645). This variant disrupts a region of the CFTR protein in which other variant(s) (p.Ile1023_Val1024del) have been determined to be pathogenic (PMID: 7516234, 12394343, 15287992, 22020151, 22627569). This suggests that this is a clinically significant region of the protein, and that variants that disrupt it are likely to be disease-causing. For these reasons, this variant has been classified as Pathogenic.

Division of Human Genetics, National Health Laboratory Service/University of the Witwatersrand
Classification: Likely pathogenic for Cystic fibrosis. Last evaluated: 2023-07-01. Review status: criteria provided, single submitter. Criteria: ACMG Guidelines, 2015. Collection method: research. Allele origin: germline. Affected: yes.

CFTR-France
Classification: Pathogenic for cystic fibrosis. Last evaluated: 2018-01-29. Review status: criteria provided, single submitter. Criteria: Claustres M et al. (Hum Mutat 2017). Collection method: curation. Allele origin: germline. Affected: yes.

ClinVar Staff, National Center for Biotechnology Information (NCBI)
No classification provided. Condition: CFTR-related disorders. Review status: no classification provided. Collection method: literature only. Allele origin: germline. Affected: yes. Not counted in ClinVar's aggregate classification.

Literature cited by the submitters: PubMed 8880589 (cited by Labcorp Genetics (formerly Invitae), Labcorp); PubMed 7516234 (cited by Labcorp Genetics (formerly Invitae), Labcorp); PubMed 12394343 (cited by Labcorp Genetics (formerly Invitae), Labcorp); PubMed 15287992 (cited by Labcorp Genetics (formerly Invitae), Labcorp); PubMed 22020151 (cited by Labcorp Genetics (formerly Invitae), Labcorp); PubMed 22627569 (cited by Labcorp Genetics (formerly Invitae), Labcorp); PubMed 18456578 (cited by ClinVar Staff, National Center for Biotechnology Information (NCBI)).